The following is an entry in ClinVar:

ClinVar aggregate classification (germline): Uncertain significance (1 of 4 stars; one submission).

Conditions:
Bardet-Biedl syndrome (BBS). Identifiers: Orphanet 110, MedGen C0752166, MONDO:0015229.

Allele frequency attached by ClinVar (database versions not stated): gnomAD exomes below 0.00001; TOPMed below 0.00001.
gnomAD v4.1: 13 of 1,614,204 alleles (0.00081%); highest among the groups gnomAD compares: African/African-American, 0.0053%; no homozygotes.

Submission:

Labcorp Genetics (formerly Invitae), Labcorp
Classification: Uncertain significance for Bardet-Biedl syndrome. Last evaluated: 2025-02-03. Review status: criteria provided, single submitter. Criteria: Invitae Variant Classification Sherloc (09022015). Collection method: clinical testing. Allele origin: germline.
Comment: This sequence change replaces glutamic acid, which is acidic and polar, with aspartic acid, which is acidic and polar, at codon 365 of the BBS12 protein (p.Glu365Asp). This variant is not present in population databases (gnomAD no frequency). This variant has not been reported in the literature in individuals affected with BBS12-related conditions. ClinVar contains an entry for this variant (Variation ID: 2194999). Invitae Evidence Modeling of protein sequence and biophysical properties (such as structural, functional, and spatial information, amino acid conservation, physicochemical variation, residue mobility, and thermodynamic stability) indicates that this missense variant is expected to disrupt BBS12 protein function with a positive predictive value of 80%. In summary, the available evidence is currently insufficient to determine the role of this variant in disease. Therefore, it has been classified as a Variant of Uncertain Significance.

NM_152618.3(BBS12):c.1095G>T (p.Glu365Asp)

Gene: BBS12 (Bardet-Biedl syndrome 12; plus strand). Cytogenetic location: 4q27.
Variant type: single nucleotide variant.
Coding change: c.1095G>T on transcript NM_152618.3 (MANE Select); coding-DNA position 1095, G replaced by T.
Protein change: p.Glu365Asp; replaces glutamic acid 365 with aspartic acid.
Molecular consequence: missense variant.
Genome position (GRCh38, 1-based): chr4:122,742,987, G>T. VCF-style: chr4-122742987-G-T. GRCh37 (hg19) VCF-style: chr4-123664142-G-T.
Other names: c.1095G>T, p.Glu365Asp (NM_001178007.2); short protein forms E365D.
Identifiers: ClinVar variation 2194999 (VCV002194999.3), dbSNP rs569907220, ClinGen allele CA105249194.